The following is an entry in ClinVar:

NM_000353.3(TAT):c.858C>A (p.Gly286=)

Genes: TAT (tyrosine aminotransferase; minus strand), TAT-AS1 (TAT antisense RNA 1; plus strand). Cytogenetic location: 16q22.2.
Variant type: single nucleotide variant.
Coding change: c.858C>A on transcript NM_000353.3 (MANE Select); coding-DNA position 858, C replaced by A.
Protein change: p.Gly286=; no amino-acid change (glycine 286 retained).
Molecular consequence: synonymous variant.
Genome position (GRCh38, 1-based): chr16:71,570,733, G>T on the plus strand (C>A on the coding strand, the complement: TAT is on the minus strand). VCF-style: chr16-71570733-G-T. GRCh37 (hg19) VCF-style: chr16-71604636-G-T.
Identifiers: ClinVar variation 1312160 (VCV001312160.9), dbSNP rs970559788, ClinGen allele CA283579212.

ClinVar aggregate classification (germline): Conflicting classifications of pathogenicity. Review status: criteria provided, conflicting classifications (1 of 4 stars). 2 submissions from 2 submitters: Uncertain significance (1); Likely benign (1). Last evaluated 2023-10-30.

Conditions:
Tyrosinemia type II (TYRSN2). Also called: KERATOSIS PALMOPLANTARIS WITH CORNEAL DYSTROPHY; OREGON TYPE TYROSINEMIA; TAT DEFICIENCY; TYROSINE AMINOTRANSFERASE DEFICIENCY; TYROSINE TRANSAMINASE DEFICIENCY. Identifiers: Orphanet 28378, MedGen C0268487, MONDO:0010160, OMIM 276600.

Allele frequency attached by ClinVar (database versions not stated): gnomAD exomes 0.00002.
gnomAD v4.1: 35 of 1,614,190 alleles (0.0022%); highest among the groups gnomAD compares: Non-Finnish European, 0.003%; no homozygotes.

Submissions (2):

Labcorp Genetics (formerly Invitae), Labcorp
Classification: Likely benign for Tyrosinemia type II. Last evaluated: 2023-10-30. Review status: criteria provided, single submitter. Criteria: Invitae Variant Classification Sherloc (09022015). Collection method: clinical testing. Allele origin: germline.

GeneDx
Classification: Uncertain significance. Last evaluated: 2020-01-10. Review status: criteria provided, single submitter. Criteria: GeneDx Variant Classification Process June 2021. Collection method: clinical testing. Allele origin: germline. Affected: yes.
Comment: Not observed in large population cohorts (Lek et al., 2016); Has not been previously published as pathogenic or benign to our knowledge; In-silico analysis, which includes splice predictors and evolutionary conservation, is inconclusive as to whether the variant alters gene splicing. In the absence of RNA/functional studies, the actual effect of this sequence change is unknown.